The following is an entry in ClinVar:

NM_001386393.1(PANK2):c.1086del (p.Phe362fs)

Gene: PANK2 (pantothenate kinase 2; plus strand). Cytogenetic location: 20p13.
Variant type: Deletion.
Coding change: c.1086del on transcript NM_001386393.1 (MANE Select); coding-DNA position 1086, one base deleted (T; older notation c.1086delT).
Protein change: p.Phe362fs; shifts the reading frame from phenylalanine 362.
Molecular consequence: frameshift variant. On other transcripts: non-coding transcript variant (1).
Genome position (GRCh38, 1-based): chr20:3,916,930, T deleted; the last of 3 consecutive T bases (chr20:3,916,928-3,916,930); deleting any one gives the same sequence. VCF-style (leftmost placement, unchanged base first): chr20-3916927-CT-C. GRCh37 (hg19) VCF-style: chr20-3897574-CT-C.
Other names: c.543del, p.Phe181fs (NM_001324191.2, NM_024960.6, NM_153640.4); c.108del, p.Phe36fs (NM_001324193.2); c.1416del, p.Phe472fs (NM_153638.4); short protein forms F181fs, F36fs, F362fs, F472fs.
Identifiers: ClinVar variation 1363985 (VCV001363985.8), dbSNP rs2146887806, ClinGen allele CA2573157129.

ClinVar aggregate classification (germline): Pathogenic (1 of 4 stars; one submission).

Conditions:
Pigmentary pallidal degeneration (NBIA1). Also called: PKAN NEUROAXONAL DYSTROPHY, JUVENILE-ONSET; HARP SYNDROME; Neuroaxonal dystrophy, late infantile; Hallervorden-Spatz disease; Pantothenate Kinase-Associated Neurodegeneration; Neurodegeneration with brain iron accumulation 1. Identifiers: Orphanet 157850, MedGen C0018523, MONDO:0009319, OMIM 234200.

Submission:

Labcorp Genetics (formerly Invitae), Labcorp
Classification: Pathogenic for Pigmentary pallidal degeneration. Last evaluated: 2023-11-27. Review status: criteria provided, single submitter. Criteria: Invitae Variant Classification Sherloc (09022015). Collection method: clinical testing. Allele origin: germline.
Comment: This sequence change creates a premature translational stop signal (p.Phe472Leufs*4) in the PANK2 gene. It is expected to result in an absent or disrupted protein product. Loss-of-function variants in PANK2 are known to be pathogenic (PMID: 11479594, 12510040). This variant is not present in population databases (gnomAD no frequency). This variant has not been reported in the literature in individuals affected with PANK2-related conditions. ClinVar contains an entry for this variant (Variation ID: 1363985). For these reasons, this variant has been classified as Pathogenic.

Literature cited by the submitters: PubMed 11479594; PubMed 12510040.